The following is an entry in ClinVar:

NM_001267550.2(TTN):c.103183A>C (p.Lys34395Gln)

Genes: TTN-AS1 (TTN antisense RNA 1; plus strand), TTN (titin; minus strand). Cytogenetic location: 2q31.2.
Variant type: single nucleotide variant.
Coding change: c.103183A>C on transcript NM_001267550.2 (MANE Select); coding-DNA position 103183, A replaced by C.
Protein change: p.Lys34395Gln; replaces lysine 34395 with glutamine.
Molecular consequence: missense variant.
Genome position (GRCh38, 1-based): chr2:178,533,432, T>G on the plus strand (A>C on the coding strand, the complement: TTN is on the minus strand). VCF-style: chr2-178533432-T-G. GRCh37 (hg19) VCF-style: chr2-179398159-T-G.
Other names: c.98260A>C, p.Lys32754Gln (NM_001256850.1); c.75988A>C, p.Lys25330Gln (NM_003319.4); c.95479A>C, p.Lys31827Gln (NM_133378.4); c.76363A>C, p.Lys25455Gln (NM_133432.3); c.76564A>C, p.Lys25522Gln (NM_133437.4); short protein forms K25455Q, K31827Q, K34395Q, K25330Q, K32754Q, K25522Q.
Identifiers: ClinVar variation 1424287 (VCV001424287.6), dbSNP rs368320079, ClinGen allele CA1985645.

ClinVar aggregate classification (germline): Uncertain significance (1 of 4 stars; one submission).

Conditions:
Dilated cardiomyopathy 1G (CMD1G). Identifiers: Orphanet 154, MedGen C1858763, MONDO:0011400, OMIM 604145.
Autosomal recessive limb-girdle muscular dystrophy type 2J (LGMDR10). Also called: Limb-girdle muscular dystrophy, type 2J; MUSCULAR DYSTROPHY, LIMB-GIRDLE, AUTOSOMAL RECESSIVE 10. Identifiers: Orphanet 140922, MedGen C1837342, MONDO:0012127, OMIM 608807.

Allele frequency attached by ClinVar (database versions not stated): gnomAD exomes below 0.00001; ExAC 0.00001; ESP Exome Variant Server 0.00008.
gnomAD v4.1: 2 of 1,613,932 alleles (0.00012%); highest among the groups gnomAD compares: Non-Finnish European, 0.00017%; no homozygotes.

Submission:

Labcorp Genetics (formerly Invitae), Labcorp
Classification: Uncertain significance for Dilated cardiomyopathy 1G; Autosomal recessive limb-girdle muscular dystrophy type 2J. Last evaluated: 2021-10-13. Review status: criteria provided, single submitter. Criteria: Invitae Variant Classification Sherloc (09022015). Collection method: clinical testing. Allele origin: germline.
Comment: Experimental studies and prediction algorithms are not available or were not evaluated, and the functional significance of this variant is currently unknown. In summary, the available evidence is currently insufficient to determine the role of this variant in disease. Therefore, it has been classified as a Variant of Uncertain Significance. This variant is located in the M band of TTN (PMID: 25589632). Variants in this region may be relevant for neuromuscular disorders, but have not been definitively shown to cause cardiomyopathy (PMID: 23975875). This variant has not been reported in the literature in individuals affected with TTN-related conditions. This variant is present in population databases (rs368320079, ExAC 0.002%). This sequence change replaces lysine with glutamine at codon 34395 of the TTN protein (p.Lys34395Gln). There is a small physicochemical difference between lysine and glutamine.

Literature cited by the submitters: PubMed 25589632; PubMed 23975875.